The following is an entry in ClinVar:

NM_000277.3(PAH):c.244del (p.His82fs)

Gene: PAH (phenylalanine hydroxylase; minus strand). Cytogenetic location: 12q23.2.
Variant type: Deletion.
Coding change: c.244del on transcript NM_000277.3 (MANE Select); coding-DNA position 244, one base deleted (C; older notation c.244delC).
Protein change: p.His82fs; shifts the reading frame from histidine 82.
Molecular consequence: frameshift variant.
Genome position (GRCh38, 1-based): chr12:102,894,843, G deleted on the plus strand (C on the coding strand, the reverse complement: PAH is on the minus strand); the first of 3 consecutive G bases (chr12:102,894,843-102,894,845); deleting any one gives the same sequence. VCF-style (leftmost placement, unchanged base first): chr12-102894842-TG-T. GRCh37 (hg19) VCF-style: chr12-103288620-TG-T.
Other names: c.244del, p.His82fs (NM_001354304.2); short protein forms H82fs.
Identifiers: ClinVar variation 4818090 (VCV004818090.1).

ClinVar aggregate classification (germline): Likely pathogenic (1 of 4 stars; one submission).

Conditions:
Phenylketonuria (PKU). Also called: FOLLING DISEASE; OLIGOPHRENIA PHENYLPYRUVICA; Phenylketonurias; Phenylketonuria (PKU). Identifiers: Orphanet 716, MedGen C0031485, MONDO:0009861, OMIM 261600. Disease mechanism: loss of function.

Submission:

Natera, Inc.
Classification: Likely pathogenic for Phenylketonuria. Last evaluated: 2024-04-05. Review status: criteria provided, single submitter. Criteria: Natera Variant Classification Schema (03/2026). Collection method: clinical testing. Allele origin: germline.
Comment: The c.244delC variant in PAH is a frameshift variant predicted to shift the reading frame beginning at codon 82 and leads to a stop codon 10 codons downstream. This variant is expected to result in nonsense mediated decay, truncation, or a dysfunctional protein product. This variant is rare in the general population with a frequency below the threshold expected for the associated phenotype(s). Given the available evidence, this variant is classified as Likely Pathogenic.